The following is an entry in ClinVar:

ClinVar aggregate classification (germline): Uncertain significance (1 of 4 stars; one submission).

Conditions:
Arrhythmogenic right ventricular dysplasia 8 (ARVD8). Also called: ARRHYTHMOGENIC RIGHT VENTRICULAR DYSPLASIA, FAMILIAL, 8; ARRHYTHMOGENIC RIGHT VENTRICULAR CARDIOMYOPATHY 8; Arrhythmogenic Right Ventricular Dysplasia/Cardiomyopathy 8. Identifiers: MedGen C1843896, MONDO:0011831, OMIM 607450.
Arrhythmogenic cardiomyopathy with wooly hair and keratoderma. Also called: Carvajal syndrome; Dilated cardiomyopathy with woolly hair and keratoderma; PALMOPLANTAR KERATODERMA WITH LEFT VENTRICULAR CARDIOMYOPATHY AND WOOLLY HAIR; Arrhythmogenic cardiomyopathy with woolly hair and keratoderma. Identifiers: Orphanet 65282, MedGen C1854063, MONDO:0011581, OMIM 605676.

Submission:

Labcorp Genetics (formerly Invitae), Labcorp
Classification: Uncertain significance for Arrhythmogenic cardiomyopathy with wooly hair and keratoderma; Arrhythmogenic right ventricular dysplasia 8. Last evaluated: 2022-10-17. Review status: criteria provided, single submitter. Criteria: Invitae Variant Classification Sherloc (09022015). Collection method: clinical testing. Allele origin: germline.
Comment: In summary, the available evidence is currently insufficient to determine the role of this variant in disease. Therefore, it has been classified as a Variant of Uncertain Significance. This sequence change replaces aspartic acid, which is acidic and polar, with histidine, which is basic and polar, at codon 297 of the DSP protein (p.Asp297His). This variant is not present in population databases (gnomAD no frequency). This variant has not been reported in the literature in individuals affected with DSP-related conditions. ClinVar contains an entry for this variant (Variation ID: 850881). Algorithms developed to predict the effect of missense changes on protein structure and function are either unavailable or do not agree on the potential impact of this missense change (SIFT: "Deleterious"; PolyPhen-2: "Probably Damaging"; Align-GVGD: "Class C0").

NM_004415.4(DSP):c.889G>C (p.Asp297His)

Gene: DSP (desmoplakin; plus strand). Cytogenetic location: 6p24.3.
Variant type: single nucleotide variant.
Coding change: c.889G>C on transcript NM_004415.4 (MANE Select); coding-DNA position 889, G replaced by C.
Protein change: p.Asp297His; replaces aspartic acid 297 with histidine.
Molecular consequence: missense variant.
Genome position (GRCh38, 1-based): chr6:7,565,470, G>C. VCF-style: chr6-7565470-G-C. GRCh37 (hg19) VCF-style: chr6-7565703-G-C.
Other names: c.889G>C, p.Asp297His (NM_001008844.3, NM_001319034.2); short protein forms D297H.
Identifiers: ClinVar variation 850881 (VCV000850881.14), dbSNP rs201930322, ClinGen allele CA362674524.